The following is an entry in ClinVar:

ClinVar aggregate classification (germline): Uncertain significance. Review status: criteria provided, multiple submitters, no conflicts (2 of 4 stars). 3 submissions from 3 submitters: Uncertain significance (3). Last evaluated 2024-11-26.

Conditions:
Cardiovascular phenotype. Identifiers: MedGen CN230736.
Cardiomyopathy (CMYO). Also called: Cardiomyopathies. Identifiers: Orphanet 167848, MedGen C0878544, MONDO:0004994, HP:0001638. Inheritance: Various modes of inheritance.
Hypertrophic cardiomyopathy. Also called: HYPERTROPHIC MYOCARDIOPATHY. Identifiers: Orphanet 217569, MedGen C0007194, MeSH D002312, MONDO:0005045, HP:0001639.

Submissions (3):

Labcorp Genetics (formerly Invitae), Labcorp
Classification: Uncertain significance for Hypertrophic cardiomyopathy. Last evaluated: 2024-11-26. Review status: criteria provided, single submitter. Criteria: Invitae Variant Classification Sherloc (09022015). Collection method: clinical testing. Allele origin: germline.
Comment: This sequence change replaces valine, which is neutral and non-polar, with glycine, which is neutral and non-polar, at codon 896 of the MYBPC3 protein (p.Val896Gly). This variant is not present in population databases (gnomAD no frequency). This variant has not been reported in the literature in individuals affected with MYBPC3-related conditions. ClinVar contains an entry for this variant (Variation ID: 855543). An algorithm developed to predict the effect of missense changes on protein structure and function (PolyPhen-2) suggests that this variant is likely to be tolerated. In summary, the available evidence is currently insufficient to determine the role of this variant in disease. Therefore, it has been classified as a Variant of Uncertain Significance.

Ambry Genetics
Classification: Uncertain significance for Cardiovascular phenotype. Last evaluated: 2024-09-09. Review status: criteria provided, single submitter. Criteria: Ambry Variant Classification Scheme 2023. Collection method: clinical testing. Allele origin: germline.
Comment: The p.V896G variant (also known as c.2687T>G), located in coding exon 26 of the MYBPC3 gene, results from a T to G substitution at nucleotide position 2687. The valine at codon 896 is replaced by glycine, an amino acid with dissimilar properties. This variant has been reported in association with hypertrophic cardiomyopathy (HCM) (Bonaventura J et al. Arch Med Sci, 2019 May;15:641-649; Bonaventura J et al. J Am Heart Assoc, 2024 May;13:e033565). This amino acid position is poorly conserved in available vertebrate species. In addition, this alteration is predicted to be tolerated by in silico analysis. Based on the available evidence, the clinical significance of this variant remains unclear.

Color Diagnostics, LLC DBA Color Health
Classification: Uncertain significance for Cardiomyopathy. Last evaluated: 2024-03-06. Review status: criteria provided, single submitter. Criteria: ACMG Guidelines, 2015. Collection method: clinical testing. Allele origin: germline.
Comment: This missense variant replaces valine with glycine at codon 896 of the MYBPC3 protein. Computational prediction tool suggests that this variant may not impact protein structure and function (internally defined REVEL score threshold <=0.5, PMID: 27666373). Splice site prediction tools suggest that this variant may not impact RNA splicing. To our knowledge, functional studies have not been performed for this variant. This variant has not been reported in individuals affected with cardiovascular disorders in the literature. This variant has not been identified in the general population by the Genome Aggregation Database (gnomAD). The available evidence is insufficient to determine the role of this variant in disease conclusively. Therefore, this variant is classified as a Variant of Uncertain Significance.

Literature cited by the submitters: PubMed 31110529 (cited by Ambry Genetics); PubMed 38757491 (cited by Ambry Genetics).

NM_000256.3(MYBPC3):c.2687T>G (p.Val896Gly)

Gene: MYBPC3 (myosin binding protein C3; minus strand). Cytogenetic location: 11p11.2.
Variant type: single nucleotide variant.
Coding change: c.2687T>G on transcript NM_000256.3 (MANE Select); coding-DNA position 2687, T replaced by G.
Protein change: p.Val896Gly; replaces valine 896 with glycine.
Molecular consequence: missense variant.
Genome position (GRCh38, 1-based): chr11:47,335,927, A>C on the plus strand (T>G on the coding strand, the complement: MYBPC3 is on the minus strand). VCF-style: chr11-47335927-A-C. GRCh37 (hg19) VCF-style: chr11-47357478-A-C.
Other names: short protein forms V896G.
Identifiers: ClinVar variation 855543 (VCV000855543.14), dbSNP rs2095881827, ClinGen allele CA380317291.